The following is an entry in ClinVar:

NM_001194998.2(CEP152):c.623C>T (p.Pro208Leu)

Gene: CEP152 (centrosomal protein 152; minus strand). Cytogenetic location: 15q21.1.
Variant type: single nucleotide variant.
Coding change: c.623C>T on transcript NM_001194998.2 (MANE Select); coding-DNA position 623, C replaced by T.
Protein change: p.Pro208Leu; replaces proline 208 with leucine.
Molecular consequence: missense variant.
Genome position (GRCh38, 1-based): chr15:48,796,078, G>A on the plus strand (C>T on the coding strand, the complement: CEP152 is on the minus strand). VCF-style: chr15-48796078-G-A. GRCh37 (hg19) VCF-style: chr15-49088275-G-A.
Other names: c.623C>T, p.Pro208Leu (NM_014985.4); short protein forms P208L.
Identifiers: ClinVar variation 4738002 (VCV004738002.1).

ClinVar aggregate classification (germline): Uncertain significance (1 of 4 stars; one submission).

Submission:

Labcorp Genetics (formerly Invitae), Labcorp
Classification: Uncertain significance. Last evaluated: 2025-05-02. Review status: criteria provided, single submitter. Criteria: Invitae Variant Classification Sherloc (09022015). Collection method: clinical testing. Allele origin: germline.
Comment: This sequence change replaces proline, which is neutral and non-polar, with leucine, which is neutral and non-polar, at codon 208 of the CEP152 protein (p.Pro208Leu). This variant is not present in population databases (gnomAD no frequency). This variant has not been reported in the literature in individuals affected with CEP152-related conditions. Invitae Evidence Modeling of protein sequence and biophysical properties (such as structural, functional, and spatial information, amino acid conservation, physicochemical variation, residue mobility, and thermodynamic stability) indicates that this missense variant is not expected to disrupt CEP152 protein function with a negative predictive value of 80%. In summary, the available evidence is currently insufficient to determine the role of this variant in disease. Therefore, it has been classified as a Variant of Uncertain Significance.